The following is an entry in ClinVar:

ClinVar aggregate classification (germline): Pathogenic (1 of 4 stars; one submission).

Conditions:
Blepharocheilodontic syndrome 2 (BCDS2). Identifiers: MedGen C4540127, MONDO:0040503, OMIM 617681.

Submission:

Victorian Clinical Genetics Services, Murdoch Childrens Research Institute
Classification: Pathogenic for Blepharocheilodontic syndrome 2. Last evaluated: 2025-02-12. Review status: criteria provided, single submitter. Criteria: ACMG Guidelines, 2015. Collection method: clinical testing. Allele origin: germline. Affected: yes.
Comment: This variant is classified as Pathogenic. Evidence in support of pathogenic classification: Variant is predicted to cause nonsense-mediated decay (NMD) and loss of protein (premature termination codon is located at least 54 nucleotides upstream of the final exon-exon junction); Variant is absent from gnomAD (v2, v3 and v4); Other NMD-predicted variant(s) comparable to the one identified in this case have very strong previous evidence for pathogenicity (DECIPHER); Additional information: This variant is heterozygous; This gene is associated with autosomal dominant disease; This variant has no previous evidence of pathogenicity; No published segregation evidence has been identified for this variant; No published functional evidence has been identified for this variant; Loss of function is a known mechanism of disease in this gene and is associated with blepharocheilodontic syndrome 2 (MIM#617681); The condition associated with this gene has incomplete penetrance (OMIM).

NM_001085458.2(CTNND1):c.2720del (p.Pro907fs)

Genes: CTNND1 (catenin delta 1; plus strand), TMX2-CTNND1 (TMX2-CTNND1 readthrough (NMD candidate); plus strand). Cytogenetic location: 11q12.1.
Variant type: Deletion.
Coding change: c.2720del on transcript NM_001085458.2 (MANE Select); coding-DNA position 2720, one base deleted (C; older notation c.2720delC).
Protein change: p.Pro907fs; shifts the reading frame from proline 907.
Molecular consequence: frameshift variant. On other transcripts: non-coding transcript variant (1).
Genome position (GRCh38, 1-based): chr11:57,815,412, C deleted; the last of 2 consecutive C bases (chr11:57,815,411-57,815,412); deleting either gives the same sequence. VCF-style (leftmost placement, unchanged base first): chr11-57815410-AC-A. GRCh37 (hg19) VCF-style: chr11-57582882-AC-A.
Other names: c.2702del, p.Pro901fs (NM_001085459.2, NM_001085460.2, NM_001085461.2 and 1 more transcripts); c.2417del, p.Pro806fs (NM_001085463.2, NM_001085466.2); c.2399del, p.Pro800fs (NM_001085464.2, NM_001085467.2, NM_001085468.2 and 2 more transcripts); c.2336del, p.Pro779fs (NM_001085465.2); c.2558del, p.Pro853fs (NM_001206883.2, NM_001206884.2); c.2720del, p.Pro907fs (NM_001206885.2); c.2540del, p.Pro847fs (NM_001206886.2, NM_001206888.2, NM_001206889.2 and 1 more transcripts); c.2477del, p.Pro826fs (NM_001206887.2); and 1 more; short protein forms P779fs, P800fs, P806fs, P826fs, P847fs, P853fs, P880fs, P901fs.
Identifiers: ClinVar variation 4532017 (VCV004532017.1).
Genomic context (GRCh38, chr11:57,815,410, plus strand): 5'-GAGGGGAATGTCATATTTCTGTGTACTTTTTTTTTTTTAACCAGATAACAACTATTCCAC[AC>A]CAAATGAGAGAGGAGACCACAATAGAACACTGGATCGATCGGGGGATCTAGGCGACATGG-3'